The following is an entry in ClinVar:

ClinVar aggregate classification (germline): Pathogenic/Likely pathogenic. Review status: criteria provided, multiple submitters, no conflicts (2 of 4 stars). 2 submissions from 2 submitters: Pathogenic (1); Likely pathogenic (1). Last evaluated 2025-08-28.

Conditions:
Mucopolysaccharidosis type 1. Also called: IDUA deficiency; MPS I; Mucopolysaccharidosis Type I. Identifiers: Orphanet 579, MedGen C0023786, MONDO:0001586.

Submissions (2):

Labcorp Genetics (formerly Invitae), Labcorp
Classification: Likely pathogenic for Mucopolysaccharidosis type 1. Last evaluated: 2025-08-28. Review status: criteria provided, single submitter. Criteria: Invitae Variant Classification Sherloc (09022015). Collection method: clinical testing. Allele origin: germline.
Comment: This sequence change affects an acceptor splice site in intron 4 of the IDUA gene. It is expected to disrupt RNA splicing. Variants that disrupt the donor or acceptor splice site typically lead to a loss of protein function (PMID: 16199547), and loss-of-function variants in IDUA are known to be pathogenic (PMID: 11735025, 21480867). This variant is not present in population databases (gnomAD no frequency). This variant has not been reported in the literature in individuals affected with IDUA-related conditions. ClinVar contains an entry for this variant (Variation ID: 3667822). Algorithms developed to predict the effect of sequence changes on RNA splicing suggest that this variant may disrupt the consensus splice site. In summary, the currently available evidence indicates that the variant is pathogenic, but additional data are needed to prove that conclusively. Therefore, this variant has been classified as Likely Pathogenic.

Revvity Omics, Revvity
Classification: Pathogenic. Last evaluated: 2024-07-03. Review status: criteria provided, single submitter. Criteria: ACMG Guidelines, 2015. Collection method: clinical testing. Allele origin: germline.

Literature cited by the submitters: PubMed 16199547 (cited by Labcorp Genetics (formerly Invitae), Labcorp); PubMed 11735025 (cited by Labcorp Genetics (formerly Invitae), Labcorp); PubMed 21480867 (cited by Labcorp Genetics (formerly Invitae), Labcorp).

NM_000203.5(IDUA):c.494-2A>C

Gene: IDUA (alpha-L-iduronidase; plus strand). Cytogenetic location: 4p16.3.
Variant type: single nucleotide variant.
Coding change: c.494-2A>C on transcript NM_000203.5 (MANE Select); the canonical splice acceptor site of the intron before coding-DNA position 494, A replaced by C.
Molecular consequence: splice acceptor variant.
Genome position (GRCh38, 1-based): chr4:1,001,466, A>C. VCF-style: chr4-1001466-A-C. GRCh37 (hg19) VCF-style: chr4-995254-A-C.
Other names: c.98-2A>C (NM_001363576.1).
Identifiers: ClinVar variation 3667822 (VCV003667822.3).